The following is an entry in ClinVar:

ClinVar aggregate classification (germline): Likely pathogenic. Review status: criteria provided, single submitter (1 of 4 stars). 2 submissions from 2 submitters: Likely pathogenic (1). 1 of the submissions does not count toward it. Last evaluated 2025-10-20.

Conditions:
Developmental and epileptic encephalopathy, 80. Also called: EPILEPTIC ENCEPHALOPATHY, EARLY INFANTILE, 80; GLYCOSYLPHOSPHATIDYLINOSITOL BIOSYNTHESIS DEFECT 20. Identifiers: MedGen C5231418, MONDO:0032822, OMIM 618580.

Allele frequency attached by ClinVar (database versions not stated): gnomAD exomes 0.00001; TOPMed 0.00001; ExAC 0.00002; gnomAD 0.00001; ESP Exome Variant Server 0.00008.
gnomAD v4.1: 10 of 1,612,606 alleles (0.00062%); highest among the groups gnomAD compares: African/African-American, 0.0027%; no homozygotes.

Submissions (2):

Variantyx, Inc.
Classification: Likely pathogenic for Developmental and epileptic encephalopathy, 80. Last evaluated: 2025-10-20. Review status: criteria provided, single submitter. Criteria: Variantyx Assertion Criteria 2022. Collection method: clinical testing. Allele origin: germline. Inheritance: Autosomal recessive inheritance. Affected: yes.
Comment: This is a nonsynonymous variant in the PIGB gene (OMIM: 604122). Pathogenic variants in this gene have been associated with autosomal recessive developmental and epileptic encephalopathy 80. Multiple computational algorithms predict a deleterious effect for this variant (REVEL score: 0.703) (PP3). This variant has a 0.0027% maximum allele frequency in non-founder control populations (PM2). Based on the current evidence, this variant is classified as likely pathogenic for autosomal recessive developmental and epileptic encephalopathy 80.

OMIM
Classification: Pathogenic for DEVELOPMENTAL AND EPILEPTIC ENCEPHALOPATHY 80. Last evaluated: 2026-08-17. Review status: no assertion criteria provided. Collection method: literature only. Allele origin: germline. Not counted in ClinVar's aggregate classification.

Literature cited by the submitters: PubMed 16439621 (cited by Variantyx, Inc.); PubMed 24637312 (cited by Variantyx, Inc.); PubMed 26350204 (cited by Variantyx, Inc.); PubMed 27862862 (cited by Variantyx, Inc.); PubMed 31618753 (cited by Variantyx, Inc.); PubMed 32369273 (cited by Variantyx, Inc.); PubMed 31256876 (cited by OMIM); PubMed 17343268 (cited by OMIM).

NM_004855.5(PIGB):c.212G>A (p.Arg71Gln)

Gene: PIGB (phosphatidylinositol glycan anchor biosynthesis class B; plus strand). Cytogenetic location: 15q21.3.
Variant type: single nucleotide variant.
Coding change: c.212G>A on transcript NM_004855.5 (MANE Select); coding-DNA position 212, G replaced by A.
Protein change: p.Arg71Gln; replaces arginine 71 with glutamine.
Molecular consequence: missense variant.
Genome position (GRCh38, 1-based): chr15:55,320,323, G>A. VCF-style: chr15-55320323-G-A. GRCh37 (hg19) VCF-style: chr15-55612521-G-A.
Other names: short protein forms R71Q.
Identifiers: ClinVar variation 689514 (VCV000689514.5), dbSNP rs369838467, ClinGen allele CA7573786.
Genomic context (GRCh38, chr15:55,320,323, plus strand): 5'-TCTGTTTTTCAGATCTTCTTGGAGAAAATATTTATCTGCTCTTGTTTACCATAGCTTTAC[G>A]AATATTAAACTGCTTTTTAGTGCAGACAAGTTTTGTTCCAGATGAATACTGGCAGTCTCT-3'
Protein context (NP_004846.4, residues 61-81): IYLLLFTIAL[Arg71Gln]ILNCFLVQTS